The following is an entry in ClinVar:

NM_001382567.1(STIM1):c.201A>G (p.Ala67=)

Gene: STIM1 (stromal interaction molecule 1; plus strand). Cytogenetic location: 11p15.4.
Variant type: single nucleotide variant.
Coding change: c.201A>G on transcript NM_001382567.1 (MANE Select); coding-DNA position 201, A replaced by G.
Protein change: p.Ala67=; no amino-acid change (alanine 67 retained).
Molecular consequence: synonymous variant. On other transcripts: 5 prime UTR variant (8), non-coding transcript variant (3), intron variant (4).
Genome position (GRCh38, 1-based): chr11:3,967,613, A>G. VCF-style: chr11-3967613-A-G. GRCh37 (hg19) VCF-style: chr11-3988843-A-G.
Other names: c.-22A>G (NM_001382575.1, NM_001382576.1, NM_001382577.1 and 5 more transcripts); c.201A>G, p.Ala67= (NM_003156.4, NM_001277961.3, NM_001277962.2 and 3 more transcripts); c.-219-56260A>G (NM_001382580.1, NM_001382581.1); c.136-56260A>G (NM_001382569.1); c.-98-56260A>G (NM_001382571.1).
Identifiers: ClinVar variation 704895 (VCV000704895.35), dbSNP rs200194500, ClinGen allele CA5830155.

ClinVar aggregate classification (germline): Benign/Likely benign. Review status: criteria provided, multiple submitters, no conflicts (2 of 4 stars). 2 submissions from 2 submitters: Benign (1); Likely benign (1). Last evaluated 2025-12-19.

Conditions:
Combined immunodeficiency due to STIM1 deficiency. Also called: STIM1 DEFICIENCY; IMMUNODEFICIENCY 10. Identifiers: Orphanet 169090, Orphanet 317430, MedGen C2748557, MONDO:0013008, OMIM 612783.
Myopathy with tubular aggregates (TAM). Also called: Tubular Aggregate Myopathy. Identifiers: Orphanet 2593, MedGen C0410207, MONDO:0008051.
Stormorken syndrome (STRMK). Also called: THROMBOCYTOPATHY, ASPLENIA, AND MIOSIS. Identifiers: Orphanet 3204, MedGen C1861451, MONDO:0008497, OMIM 185070.

Allele frequency attached by ClinVar (database versions not stated): ESP Exome Variant Server 0.00008; gnomAD exomes 0.00015; ExAC 0.00018; TOPMed 0.00007.
gnomAD v4.1: 116 of 1,614,254 alleles (0.0072%); highest among the groups gnomAD compares: Middle Eastern, 0.31%; 1 homozygote.

Submissions (2):

Labcorp Genetics (formerly Invitae), Labcorp
Classification: Benign for Myopathy with tubular aggregates; Combined immunodeficiency due to STIM1 deficiency; Stormorken syndrome. Last evaluated: 2025-12-19. Review status: criteria provided, single submitter. Criteria: Invitae Variant Classification Sherloc (09022015). Collection method: clinical testing. Allele origin: germline.

CeGaT Center for Human Genetics Tuebingen
Classification: Likely benign. Last evaluated: 2025-02-01. Review status: criteria provided, single submitter. Criteria: CeGaT Center For Human Genetics Tuebingen Variant Classification Criteria Version 2. Collection method: clinical testing. Allele origin: germline. Affected: yes. Observed: 2 variant alleles.
Comment: STIM1: BP4, BP7